The following is an entry in ClinVar:

ClinVar aggregate classification (germline): Uncertain significance (1 of 4 stars; one submission).

Conditions:
Dilated cardiomyopathy 2B. Identifiers: Orphanet 154, MedGen C3553409, MONDO:0013848, OMIM 614672.

Submission:

Labcorp Genetics (formerly Invitae), Labcorp
Classification: Uncertain significance for Dilated cardiomyopathy 2B. Last evaluated: 2024-08-31. Review status: criteria provided, single submitter. Criteria: Invitae Variant Classification Sherloc (09022015). Collection method: clinical testing. Allele origin: germline.
Comment: This variant, c.166_177del, results in the deletion of 4 amino acid(s) of the GATAD1 protein (p.Gly56_Gly59del), but otherwise preserves the integrity of the reading frame. This variant is not present in population databases (gnomAD no frequency). This variant has not been reported in the literature in individuals affected with GATAD1-related conditions. Experimental studies and prediction algorithms are not available or were not evaluated, and the functional significance of this variant is currently unknown. In summary, the available evidence is currently insufficient to determine the role of this variant in disease. Therefore, it has been classified as a Variant of Uncertain Significance.

NM_021167.5(GATAD1):c.166_177del (p.Gly56_Gly59del)

Genes: GATAD1 (GATA zinc finger domain containing 1; plus strand), LOC129998793 (ATAC-STARR-seq lymphoblastoid silent region 18371; plus strand). Cytogenetic location: 7q21.2.
Variant type: Deletion.
Coding change: c.166_177del on transcript NM_021167.5 (MANE Select); coding-DNA positions 166 to 177, 12 bases deleted (GGCGGCGGCGGC).
Protein change: p.Gly56_Gly59del.
Molecular consequence: non-coding transcript variant (on NR_052016.2).
Genome position (GRCh38, 1-based): chr7:92,447,895-92,447,906, GGCGGCGGCGGC deleted; deleting any 12 consecutive bases within chr7:92,447,893-92,447,906 gives the same sequence; the c. name uses the placement nearest the transcript's 3' end. VCF-style (leftmost placement, unchanged base first): chr7-92447892-AGCGGCGGCGGCG-A. GRCh37 (hg19) VCF-style: chr7-92077206-AGCGGCGGCGGCG-A.
Identifiers: ClinVar variation 3682356 (VCV003682356.2).